The following is an entry in ClinVar:

ClinVar aggregate classification (germline): Uncertain significance (1 of 4 stars; one submission).

Allele frequency attached by ClinVar (database versions not stated): gnomAD exomes below 0.00001.
gnomAD v4.1: 2 of 1,614,118 alleles (0.00012%); highest among the groups gnomAD compares: Admixed American, 0.0033%; no homozygotes.

Submission:

Labcorp Genetics (formerly Invitae), Labcorp
Classification: Uncertain significance. Last evaluated: 2022-10-17. Review status: criteria provided, single submitter. Criteria: Invitae Variant Classification Sherloc (09022015). Collection method: clinical testing. Allele origin: germline.
Comment: In summary, the available evidence is currently insufficient to determine the role of this variant in disease. Therefore, it has been classified as a Variant of Uncertain Significance. Algorithms developed to predict the effect of missense changes on protein structure and function are either unavailable or do not agree on the potential impact of this missense change (SIFT: "Deleterious"; PolyPhen-2: "Benign"; Align-GVGD: "Class C65"). This variant has not been reported in the literature in individuals affected with SRRM2-related conditions. This variant is present in population databases (no rsID available, gnomAD 0.003%). This sequence change replaces serine, which is neutral and polar, with alanine, which is neutral and non-polar, at codon 1014 of the SRRM2 protein (p.Ser1014Ala).

NM_016333.4(SRRM2):c.3040T>G (p.Ser1014Ala)

Gene: SRRM2 (serine/arginine repetitive matrix 2; plus strand). Cytogenetic location: 16p13.3.
Variant type: single nucleotide variant.
Coding change: c.3040T>G on transcript NM_016333.4 (MANE Select); coding-DNA position 3040, T replaced by G.
Protein change: p.Ser1014Ala; replaces serine 1014 with alanine.
Molecular consequence: missense variant.
Genome position (GRCh38, 1-based): chr16:2,763,568, T>G. VCF-style: chr16-2763568-T-G. GRCh37 (hg19) VCF-style: chr16-2813569-T-G.
Other names: short protein forms S1014A.
Identifiers: ClinVar variation 2035911 (VCV002035911.4), dbSNP rs1483283192, ClinGen allele CA394412505.
Genomic context (GRCh38, chr16:2,763,568, plus strand): 5'-TCACCATACCCCAAAGTAAAGGCCCAAACTCCACCGGGGCCAAGTCTTTCTGGATCAAAG[T>G]CACCATGTCCCCAAGAGAAGTCTAAAGACTCACTAGTTCAAAGTTGCCCTGGATCCCTCT-3'
Protein context (NP_057417.3, residues 1004-1024): PPGPSLSGSK[Ser1014Ala]PCPQEKSKDS